The following is an entry in ClinVar:

ClinVar aggregate classification (germline): Conflicting classifications of pathogenicity. Review status: criteria provided, conflicting classifications (1 of 4 stars). 7 submissions from 7 submitters: Uncertain significance (2); Benign (1); Likely benign (3). 1 of the submissions does not count toward it. Last evaluated 2025-11-13.

Conditions:
Hereditary cancer-predisposing syndrome. Also called: Tumor predisposition; Neoplastic Syndromes, Hereditary; Hereditary neoplastic syndrome; Hereditary Cancer Syndrome. Identifiers: Orphanet 140162, MedGen C0027672, MeSH D009386, MONDO:0015356.
Tuberous sclerosis syndrome (TSC). Also called: Tuberous Sclerosis Complex; Tuberous sclerosis. Identifiers: Orphanet 805, MedGen C0041341, MONDO:0001734.
Tuberous sclerosis 1 (TSC1). Identifiers: Orphanet 805, MedGen C1854465, MONDO:0008612, OMIM 191100.

Allele frequency attached by ClinVar (database versions not stated): ExAC 0.00001; gnomAD 0.00001; gnomAD exomes 0.00001; TOPMed 0.00001.
gnomAD v4.1: 14 of 1,613,766 alleles (0.00087%); highest among the groups gnomAD compares: African/African-American, 0.0067%; no homozygotes.

Submissions (7):

Labcorp Genetics (formerly Invitae), Labcorp
Classification: Benign for Tuberous sclerosis 1. Last evaluated: 2025-11-13. Review status: criteria provided, single submitter. Criteria: Invitae Variant Classification Sherloc (09022015). Collection method: clinical testing. Allele origin: germline.

Blueprint Genetics
Classification: Likely benign. Last evaluated: 2024-09-24. Review status: criteria provided, single submitter. Criteria: ACMG Guidelines, 2015. Collection method: clinical testing. Allele origin: germline.

All of Us Research Program, National Institutes of Health
Classification: Uncertain significance for Tuberous sclerosis syndrome. Last evaluated: 2024-07-20. Review status: criteria provided, single submitter. Criteria: ACMG Guidelines, 2015. Collection method: clinical testing. Allele origin: germline. Inheritance: Autosomal dominant inheritance. Observed: 7 variant alleles, 7 heterozygotes.
Comment: This missense variant replaces arginine with histidine at codon 689 of the TSC1 protein. Computational prediction suggests that this variant may not impact protein structure and function (internally defined REVEL score threshold <= 0.5, PMID: 27666373). To our knowledge, functional studies have not been reported for this variant. This variant has not been reported in individuals affected with TSC1-related disorders in the literature. This variant has been identified in 4/282464 chromosomes in the general population by the Genome Aggregation Database (gnomAD). The available evidence is insufficient to determine the role of this variant in disease conclusively. Therefore, this variant is classified as a Variant of Uncertain Significance.

This study involves interpretation of variants in research participants for the purpose of population health screening. Participant phenotype was not available at the time of variant classification. Additional details can be found in publication PMID: 35346344, PMCID: PMC8962531

Color Diagnostics, LLC DBA Color Health
Classification: Uncertain significance for Tuberous sclerosis syndrome. Last evaluated: 2024-04-24. Review status: criteria provided, single submitter. Criteria: ACMG Guidelines, 2015. Collection method: clinical testing. Allele origin: germline.
Comment: This missense variant replaces arginine with histidine at codon 689 of the TSC1 protein. Computational prediction suggests that this variant may not impact protein structure and function. To our knowledge, functional studies have not been reported for this variant. This variant has not been reported in individuals affected with TSC1-related disorders in the literature. This variant has been identified in 4/282464 chromosomes in the general population by the Genome Aggregation Database (gnomAD). The available evidence is insufficient to determine the role of this variant in disease conclusively. Therefore, this variant is classified as a Variant of Uncertain Significance.

Ambry Genetics
Classification: Likely benign for Hereditary cancer-predisposing syndrome. Last evaluated: 2023-04-17. Review status: criteria provided, single submitter. Criteria: Ambry Variant Classification Scheme 2023. Collection method: clinical testing. Allele origin: germline.

Genome-Nilou Lab
Classification: Likely benign for Tuberous sclerosis 1. Last evaluated: 2021-11-07. Review status: criteria provided, single submitter. Criteria: ACMG Guidelines, 2015. Collection method: clinical testing. Allele origin: germline. Affected: no.

Biesecker Lab/Clinical Genomics Section, National Institutes of Health
Classification: Uncertain significance. Last evaluated: 2012-07-13. Review status: no assertion criteria provided. Collection method: research. Allele origin: germline. Affected: no. Observed: 1 variant allele. Study: ClinSeq. Not counted in ClinVar's aggregate classification.
ClinVar note: Converted during submission from variant of unknown significance to Uncertain significance.

NM_000368.5(TSC1):c.2066G>A (p.Arg689His)

Gene: TSC1 (TSC complex subunit 1; minus strand). Cytogenetic location: 9q34.13.
Variant type: single nucleotide variant.
Coding change: c.2066G>A on transcript NM_000368.5 (MANE Select); coding-DNA position 2066, G replaced by A.
Protein change: p.Arg689His; replaces arginine 689 with histidine.
Molecular consequence: missense variant.
Genome position (GRCh38, 1-based): chr9:132,903,793, C>T on the plus strand (G>A on the coding strand, the complement: TSC1 is on the minus strand). VCF-style: chr9-132903793-C-T. GRCh37 (hg19) VCF-style: chr9-135779180-C-T.
Other names: c.2063G>A, p.Arg688His (NM_001162426.2); c.1913G>A, p.Arg638His (NM_001162427.2); c.1703G>A, p.Arg568His (NM_001362177.2); short protein forms R689H, R568H, R638H, R688H.
Identifiers: ClinVar variation 41693 (VCV000041693.22), dbSNP rs200827913, ClinGen allele CA005883.
Genomic context (GRCh38, chr9:132,903,793, plus strand): 5'-CTCTTAAAACGCTCATAGAGTAACTGGTTGTGCAGTAAAAGCAACTGGTCTCGGAGGGTG[C>T]GGATCTCATCTGAAGGAGGAGAGCCTGATTGTAAAGCAGAGGGAGGGTGGCAGAAATGCC-3'
Protein context (NP_000359.1, residues 679-699): FGGSPPSDEI[Arg689His]TLRDQLLLLH